The following is an entry in ClinVar:

ClinVar aggregate classification (germline): Uncertain significance (1 of 4 stars; one submission).

Conditions:
Hereditary cancer-predisposing syndrome. Also called: Neoplastic Syndromes, Hereditary; Tumor predisposition; Hereditary Cancer Syndrome; Hereditary neoplastic syndrome. Identifiers: Orphanet 140162, MedGen C0027672, MeSH D009386, MONDO:0015356.

Submission:

Ambry Genetics
Classification: Uncertain significance for Hereditary cancer-predisposing syndrome. Last evaluated: 2026-04-05. Review status: criteria provided, single submitter. Criteria: Ambry Variant Classification Scheme 2023. Collection method: clinical testing. Allele origin: germline.
Comment: The c.49-2A>C intronic variant results from an A to C substitution two nucleotides upstream from coding exon 2 in the PALB2 gene. This nucleotide position is highly conserved in available vertebrate species. Alterations that disrupt the canonical splice site are expected to result in aberrant splicing. In silico splice site analysis predicts that this alteration will weaken the native splice acceptor site and will result in the creation or strengthening of a novel splice acceptor site. RNA studies have demonstrated that this variant results in abnormal splicing in the set of samples tested (Ambry internal data). A resulting transcript is predicted to be in-frame and is not expected to trigger nonsense-mediated mRNA decay; however, direct evidence is insufficient at this time (Ambry internal data). Based on the available evidence, the clinical significance of this variant remains unclear.

NM_024675.4(PALB2):c.49-2A>C

Gene: PALB2 (partner and localizer of BRCA2; minus strand). Cytogenetic location: 16p12.2.
Variant type: single nucleotide variant.
Coding change: c.49-2A>C on transcript NM_024675.4 (MANE Select); the canonical splice acceptor site of the intron before coding-DNA position 49, A replaced by C.
Molecular consequence: splice acceptor variant. On other transcripts: intron variant (4).
Genome position (GRCh38, 1-based): chr16:23,638,131, T>G on the plus strand (A>C on the coding strand, the complement: PALB2 is on the minus strand). VCF-style: chr16-23638131-T-G. GRCh37 (hg19) VCF-style: chr16-23649452-T-G.
Other names: c.-837-2A>C (NM_001407308.1, NM_001407306.1, NM_001407307.1 and 5 more transcripts); c.48+2979A>C (NM_001407314.1); c.-105+2979A>C (NM_001407313.1, NM_001407312.1); c.49-179A>C (NM_001407296.1); c.49-2A>C (NM_001407297.1, NM_001407302.1, NM_001407298.1 and 3 more transcripts).
Identifiers: ClinVar variation 4861470 (VCV004861470.1).